The following is an entry in ClinVar:

NM_013275.6(ANKRD11):c.7595A>G (p.Gln2532Arg)

Gene: ANKRD11 (ankyrin repeat domain containing 11; minus strand). Cytogenetic location: 16q24.3.
Variant type: single nucleotide variant.
Coding change: c.7595A>G on transcript NM_013275.6 (MANE Select); coding-DNA position 7595, A replaced by G.
Protein change: p.Gln2532Arg; replaces glutamine 2532 with arginine.
Molecular consequence: missense variant.
Genome position (GRCh38, 1-based): chr16:89,274,932, T>C on the plus strand (A>G on the coding strand, the complement: ANKRD11 is on the minus strand). VCF-style: chr16-89274932-T-C. GRCh37 (hg19) VCF-style: chr16-89341340-T-C.
Other names: c.7595A>G, p.Gln2532Arg (NM_001256182.2, NM_001256183.2); short protein forms Q2532R.
Identifiers: ClinVar variation 1303652 (VCV001303652.2), dbSNP rs2151701930, ClinGen allele CA397147704.
Genomic context (GRCh38, chr16:89,274,932, plus strand): 5'-AATGGCACTGCCTGGTTGGCGATGGTCCTGGCCGCCCGGCAGTGAACCCGCAGAATCTCC[T>C]GCTCACAGGATACGATCAGCTTCTCCTGAAGGAGGAGAGGAGTAGAGTGAGCTGGGACAC-3'
Protein context (NP_037407.4, residues 2522-2542): EREKLIVSCE[Gln2532Arg]EILRVHCRAA

ClinVar aggregate classification (germline): Uncertain significance (1 of 4 stars; one submission).

Submission:

GeneDx
Classification: Uncertain significance. Last evaluated: 2021-04-09. Review status: criteria provided, single submitter. Criteria: GeneDx Variant Classification Process June 2021. Collection method: clinical testing. Allele origin: germline. Affected: yes.
Comment: Not observed in large population cohorts (Lek et al., 2016); In silico analysis supports that this missense variant has a deleterious effect on protein structure/function; Has not been previously published as pathogenic or benign to our knowledge